The following is an entry in ClinVar:

ClinVar aggregate classification (germline): Uncertain significance (1 of 4 stars; one submission).

Conditions:
Inborn genetic diseases. Identifiers: MedGen C0950123, MeSH D030342.

Submission:

Ambry Genetics
Classification: Uncertain significance for Inborn genetic diseases. Last evaluated: 2024-12-12. Review status: criteria provided, single submitter. Criteria: Ambry Variant Classification Scheme 2023. Collection method: clinical testing. Allele origin: germline.
Comment: The p.P432T variant (also known as c.1294C>A), located in coding exon 6 of the SH2B3 gene, results from a C to A substitution at nucleotide position 1294. The proline at codon 432 is replaced by threonine, an amino acid with highly similar properties. This amino acid position is conserved. In addition, this alteration is predicted to be tolerated by in silico analysis. Based on the available evidence, the clinical significance of this variant remains unclear.

NM_005475.3(SH2B3):c.1294C>A (p.Pro432Thr)

Gene: SH2B3 (SH2B adaptor protein 3; plus strand). Cytogenetic location: 12q24.12.
Variant type: single nucleotide variant.
Coding change: c.1294C>A on transcript NM_005475.3 (MANE Select); coding-DNA position 1294, C replaced by A.
Protein change: p.Pro432Thr; replaces proline 432 with threonine.
Molecular consequence: missense variant.
Genome position (GRCh38, 1-based): chr12:111,447,713, C>A. VCF-style: chr12-111447713-C-A. GRCh37 (hg19) VCF-style: chr12-111885517-C-A.
Other names: c.688C>A, p.Pro230Thr (NM_001291424.1); short protein forms P230T, P432T.
Identifiers: ClinVar variation 3794984 (VCV003794984.1).